The following is an entry in ClinVar:

NM_001371596.2(MFSD8):c.1013C>A (p.Ala338Asp)

Gene: MFSD8 (major facilitator superfamily domain containing 8; minus strand). Cytogenetic location: 4q28.2.
Variant type: single nucleotide variant.
Coding change: c.1013C>A on transcript NM_001371596.2 (MANE Select); coding-DNA position 1013, C replaced by A.
Protein change: p.Ala338Asp; replaces alanine 338 with aspartic acid.
Molecular consequence: missense variant. On other transcripts: intron variant (1).
Genome position (GRCh38, 1-based): chr4:127,921,949, G>T on the plus strand (C>A on the coding strand, the complement: MFSD8 is on the minus strand). VCF-style: chr4-127921949-G-T. GRCh37 (hg19) VCF-style: chr4-128843104-G-T.
Other names: c.1013C>A (NM_152778.2); c.812C>A, p.Ala271Asp (NM_001363520.3); c.698C>A, p.Ala233Asp (NM_001363521.3); c.878C>A, p.Ala293Asp (NM_001371590.2); c.1013C>A, p.Ala338Asp (NM_001371591.2, NM_152778.4); c.1019C>A, p.Ala340Asp (NM_001371592.2); c.899C>A, p.Ala300Asp (NM_001371593.2); c.866C>A, p.Ala289Asp (NM_001371594.2); and 3 more; short protein forms A244D, A338D, A340D, A188D, A271D, A293D, A300D, A233D.
Identifiers: ClinVar variation 2855176 (VCV002855176.4), dbSNP rs2546048868, ClinGen allele CA358172062.

ClinVar aggregate classification (germline): Uncertain significance. Review status: criteria provided, single submitter (1 of 4 stars). 2 submissions from 2 submitters: Uncertain significance (1). 1 of the submissions does not count toward it. Last evaluated 2023-04-11.

Conditions:
Late-infantile neuronal ceroid lipofuscinosis. Also called: Jansky-Bielschowsky disease. Identifiers: MedGen C0022340, MONDO:0015674.
Neuronal ceroid lipofuscinosis 7 (CLN7). Also called: MFSD8-Related Neuronal Ceroid-Lipofuscinosis. Identifiers: Orphanet 168491, Orphanet 228366, MedGen C1838571, MONDO:0012588, OMIM 610951.

Submissions (2):

Labcorp Genetics (formerly Invitae), Labcorp
Classification: Uncertain significance for Neuronal ceroid lipofuscinosis 7. Last evaluated: 2023-04-11. Review status: criteria provided, single submitter. Criteria: Invitae Variant Classification Sherloc (09022015). Collection method: clinical testing. Allele origin: germline.
Comment: In summary, the available evidence is currently insufficient to determine the role of this variant in disease. Therefore, it has been classified as a Variant of Uncertain Significance. Advanced modeling of protein sequence and biophysical properties (such as structural, functional, and spatial information, amino acid conservation, physicochemical variation, residue mobility, and thermodynamic stability) performed at Invitae indicates that this missense variant is not expected to disrupt MFSD8 protein function. This variant has not been reported in the literature in individuals affected with MFSD8-related conditions. This variant is not present in population databases (gnomAD no frequency). This sequence change replaces alanine, which is neutral and non-polar, with aspartic acid, which is acidic and polar, at codon 338 of the MFSD8 protein (p.Ala338Asp).

Natera, Inc.
Classification: Uncertain significance for Late-infantile neuronal ceroid lipofuscinosis. Last evaluated: 2025-02-13. Review status: no assertion criteria provided. Collection method: clinical testing. Allele origin: germline. Not counted in ClinVar's aggregate classification.